The following is an entry in ClinVar:

ClinVar aggregate classification (germline): Conflicting classifications of pathogenicity. Review status: criteria provided, conflicting classifications (1 of 4 stars). 3 submissions from 3 submitters: Uncertain significance (2); Likely benign (1). Last evaluated 2026-08-07.

Conditions:
Ehlers-Danlos syndrome, classic type, 1 (EDSCL1). Also called: EDS I; Ehlers-Danlos Syndrome, Classic Type, COL5A1-Related; EHLERS-DANLOS SYNDROME, GRAVIS TYPE; EHLERS-DANLOS SYNDROME, SEVERE CLASSIC TYPE; Ehlers-Danlos syndrome, type 1. Identifiers: MedGen C0268335, MONDO:0019567, OMIM 130000.

Allele frequency attached by ClinVar (database versions not stated): gnomAD 0.00003; gnomAD exomes 0.00001; TOPMed 0.00006.
gnomAD v4.1: 5 of 1,613,816 alleles (0.00031%); highest among the groups gnomAD compares: Admixed American, 0.0017%; no homozygotes.

Submissions (3):

GeneDx
Classification: Uncertain significance. Last evaluated: 2026-08-07. Review status: criteria provided, single submitter. Criteria: GeneDx Variant Classification Process June 2021. Collection method: clinical testing. Allele origin: germline.
Comment: Has not been previously published as pathogenic or benign to our knowledge; Not observed at significant frequency in large population cohorts (gnomAD); Not located in the triple helical region, where the majority of pathogenic missense variants occur (PMID: 22696272; HGMD); In silico analysis supports that this missense variant has a deleterious effect on protein structure/function; This variant is associated with the following publications: (PMID: 22696272)

Labcorp Genetics (formerly Invitae), Labcorp
Classification: Likely benign for Ehlers-Danlos syndrome, classic type, 1. Last evaluated: 2025-05-22. Review status: criteria provided, single submitter. Criteria: Invitae Variant Classification Sherloc (09022015). Collection method: clinical testing. Allele origin: germline.

Women's Health and Genetics/Laboratory Corporation of America, LabCorp
Classification: Uncertain significance. Last evaluated: 2025-05-05. Review status: criteria provided, single submitter. Criteria: LabCorp Variant Classification Summary - May 2015. Collection method: clinical testing. Allele origin: germline.
Comment: Variant summary: COL5A2 c.4320A>T (p.Arg1440Ser) results in a non-conservative amino acid change in the encoded protein sequence. Algorithms developed to predict the effect of missense changes on protein structure and function are either unavailable or do not agree on the potential impact of this missense change. The variant allele was found at a frequency of 8e-06 in 250962 control chromosomes. The available data on variant occurrences in the general population are insufficient to allow any conclusion about variant significance. To our knowledge, no occurrence of c.4320A>T in individuals affected with Ehlers-Danlos syndrome, classic type, 2 and no experimental evidence demonstrating its impact on protein function have been reported. ClinVar contains an entry for this variant (Variation ID: 450419). Based on the evidence outlined above, the variant was classified as uncertain significance.

NM_000393.5(COL5A2):c.4320A>T (p.Arg1440Ser)

Gene: COL5A2 (collagen type V alpha 2 chain; minus strand). Cytogenetic location: 2q32.2.
Variant type: single nucleotide variant.
Coding change: c.4320A>T on transcript NM_000393.5 (MANE Select); coding-DNA position 4320, A replaced by T.
Protein change: p.Arg1440Ser; replaces arginine 1440 with serine.
Molecular consequence: missense variant.
Genome position (GRCh38, 1-based): chr2:189,034,949, T>A on the plus strand (A>T on the coding strand, the complement: COL5A2 is on the minus strand). VCF-style: chr2-189034949-T-A. GRCh37 (hg19) VCF-style: chr2-189899675-T-A.
Other names: short protein forms R1440S.
Identifiers: ClinVar variation 450419 (VCV000450419.14), dbSNP rs1436390158, ClinGen allele CA349854840.